The following is an entry in ClinVar:

ClinVar aggregate classification (germline): Benign/Likely benign. Review status: criteria provided, multiple submitters, no conflicts (2 of 4 stars). 5 submissions from 5 submitters: Benign (4); Likely benign (1). Last evaluated 2026-02-02.

Conditions:
Lazy leukocyte syndrome. Identifiers: Orphanet 652522, MedGen C0272174, MONDO:0007883, OMIM 150550.

Allele frequency attached by ClinVar (database versions not stated): ESP Exome Variant Server 0.00481; gnomAD 0.00483 and 0.00531; 1000 Genomes Project 0.00679; 1000 Genomes Project 30x 0.00718; gnomAD exomes 0.00789; ExAC 0.01241.

Submissions (5):

Labcorp Genetics (formerly Invitae), Labcorp
Classification: Benign. Last evaluated: 2026-02-02. Review status: criteria provided, single submitter. Criteria: Invitae Variant Classification Sherloc (09022015). Collection method: clinical testing. Allele origin: germline.

Blueprint Genetics
Classification: Likely benign. Last evaluated: 2024-11-25. Review status: criteria provided, single submitter. Criteria: ACMG Guidelines, 2015. Collection method: clinical testing. Allele origin: germline.

Mayo Clinic Laboratories, Mayo Clinic
Classification: Benign. Last evaluated: 2024-06-19. Review status: criteria provided, single submitter. Criteria: ACMG Guidelines, 2015. Collection method: clinical testing. Allele origin: germline. Observed: 6 variant alleles.
Comment: BS1, BS2, BP4

Fulgent Genetics
Classification: Benign for Lazy leukocyte syndrome. Last evaluated: 2021-10-12. Review status: criteria provided, single submitter. Criteria: ACMG Guidelines, 2015. Collection method: clinical testing. Allele origin: unknown.

Breakthrough Genomics
Classification: Benign. Review status: criteria provided, single submitter. Criteria: ACMG Guidelines, 2015. Collection method: not provided. Allele origin: germline. Inheritance: Autosomal recessive inheritance. Affected: yes.

NM_017491.5(WDR1):c.743A>G (p.His248Arg)

Gene: WDR1 (WD repeat domain 1; minus strand). Cytogenetic location: 4p16.1.
Variant type: single nucleotide variant.
Coding change: c.743A>G on transcript NM_017491.5 (MANE Select); coding-DNA position 743, A replaced by G.
Protein change: p.His248Arg; replaces histidine 248 with arginine.
Molecular consequence: missense variant.
Genome position (GRCh38, 1-based): chr4:10,087,915, T>C on the plus strand (A>G on the coding strand, the complement: WDR1 is on the minus strand). VCF-style: chr4-10087915-T-C. GRCh37 (hg19) VCF-style: chr4-10089539-T-C.
Other names: p.His248Arg; c.323A>G, p.His108Arg (NM_005112.5); short protein forms H108R, H248R.
Identifiers: ClinVar variation 1164303 (VCV001164303.11), dbSNP rs41268387, ClinGen allele CA2857891.